The following is an entry in ClinVar:

NC_000002.12:g.(?_165090130)_(166311776_?)dup

Genes: CSRNP3 (cysteine and serine rich nuclear protein 3; plus strand), GALNT3 (polypeptide N-acetylgalactosaminyltransferase 3; minus strand), SCN1A (sodium voltage-gated channel alpha subunit 1; minus strand), SCN2A (sodium voltage-gated channel alpha subunit 2; plus strand), SCN3A (sodium voltage-gated channel alpha subunit 3; minus strand) and 2 more. Cytogenetic location: 2q24.3.
Variant type: Duplication.
Identifiers: ClinVar variation 831785 (VCV000831785.4).

ClinVar aggregate classification (germline): Uncertain significance. Review status: criteria provided, single submitter (1 of 4 stars). 4 submissions from 1 submitter: Uncertain significance (1). 3 of the submissions do not count toward it. Last evaluated 2020-06-29.

Conditions:
Generalized epilepsy with febrile seizures plus, type 7 (GEFSP7). Also called: GEFS+, TYPE 7. Identifiers: Orphanet 36387, MedGen C2751778, MONDO:0013470, OMIM 613863.
Neuropathy, hereditary sensory and autonomic, type 2A (HSAN2A). Also called: ACROOSTEOLYSIS, GIACCAI TYPE; ACROOSTEOLYSIS, NEUROGENIC; MORVAN DISEASE; NEUROPATHY, CONGENITAL SENSORY; NEUROPATHY, HEREDITARY SENSORY RADICULAR, AUTOSOMAL RECESSIVE; NEUROPATHY, HEREDITARY SENSORY, TYPE IIA. Identifiers: Orphanet 970, MedGen C2752089, MONDO:0024309, OMIM 201300.
Seizures, benign familial infantile, 3 (BFIS3). Also called: CONVULSIONS, BENIGN FAMILIAL INFANTILE, 3; Familial neonatal seizures. Identifiers: Orphanet 140927, Orphanet 306, MedGen C1843140, MONDO:0011904, OMIM 607745.
Developmental and epileptic encephalopathy, 11 (DEE11). Also called: Early infantile epileptic encephalopathy 11. Identifiers: Orphanet 1934, MedGen C3150987, MONDO:0013388, OMIM 613721.
Developmental and epileptic encephalopathy. Identifiers: MedGen C5779964, MONDO:0100620.

Submissions (4):

Labcorp Genetics (formerly Invitae), Labcorp
Classification: Uncertain significance for Seizures, benign familial infantile, 3; Developmental and epileptic encephalopathy, 11. Last evaluated: 2020-06-29. Review status: criteria provided, single submitter. Criteria: Invitae Variant Classification Sherloc (09022015). Collection method: clinical testing. Allele origin: germline.
Comment: This variant results in a copy number gain of the genomic region encompassing the full coding sequence of the SCN2A gene. The boundaries of this event are unknown as they extend beyond the assayed region for this gene and therefore may encompass additional genes. As the precise location of this event is unknown, it may be in tandem or it may be located elsewhere in the genome. Isolated whole-gene duplications of the SCN2A gene have not been reported in the literature. However, larger copy number events that include this gene have been reported (PMID: 23016767, 26068938, 21416599, 23184456, 21692795). In summary, the available evidence is currently insufficient to determine the role of this variant in disease. Therefore, it has been classified as a Variant of Uncertain Significance.

Labcorp Genetics (formerly Invitae), Labcorp
Classification: Uncertain significance. Last evaluated: 2020-06-29. Review status: flagged submission. Criteria: Invitae Variant Classification Sherloc (09022015). Collection method: clinical testing. Allele origin: germline. Not counted in ClinVar's aggregate classification.
Comment: This variant results in a copy number gain of the genomic region encompassing the full coding sequence of the SCN3A gene. The boundaries of this event are unknown as they extend beyond the assayed region for this gene and therefore may encompass additional genes. As the precise location of this event is unknown, it may be in tandem or it may be located elsewhere in the genome. Isolated whole-gene duplications of the SCN3A gene have not been reported in the literature. However, larger copy number events that include this gene have been reported (PMID: 23016767, 21416599, 21692795). In summary, the available evidence is currently insufficient to determine the role of this variant in disease. Therefore, it has been classified as a Variant of Uncertain Significance.
ClinVar note: Reason: This record appears to be redundant with a more recent record from the same submitter.
ClinVar note: Notes: SCV001489853 appears to be redundant with SCV001561364.

Labcorp Genetics (formerly Invitae), Labcorp
Classification: Uncertain significance for Neuropathy, hereditary sensory and autonomic, type 2A; Generalized epilepsy with febrile seizures plus, type 7. Last evaluated: 2020-06-29. Review status: flagged submission. Criteria: Invitae Variant Classification Sherloc (09022015). Collection method: clinical testing. Allele origin: germline. Not counted in ClinVar's aggregate classification.
Comment: This variant results in a copy number gain of the genomic region encompassing the full coding sequence of the SCN9A gene. The boundaries of this event are unknown as they extend beyond the assayed region for this gene and therefore may encompass additional genes. As the precise location of this event is unknown, it may be in tandem or it may be located elsewhere in the genome. Isolated whole-gene duplications of the SCN9A gene have not been reported in the literature. However, larger copy number events that include this gene have been reported (PMID: 23016767, 21692795). In summary, the available evidence is currently insufficient to determine the role of this variant in disease. Therefore, it has been classified as a Variant of Uncertain Significance.
ClinVar note: Reason: This record appears to be redundant with a more recent record from the same submitter.
ClinVar note: Notes: SCV001515504 appears to be redundant with SCV001561364.

Labcorp Genetics (formerly Invitae), Labcorp
Classification: Uncertain significance for Early infantile epileptic encephalopathy with suppression bursts. Last evaluated: 2019-09-05. Review status: flagged submission. Criteria: Invitae Variant Classification Sherloc (09022015). Collection method: clinical testing. Allele origin: germline. Not counted in ClinVar's aggregate classification.
Comment: This variant results in a copy number gain of the genomic region encompassing the full coding sequence of the SCN1A gene. The boundaries of this event are unknown as they extend beyond the assayed region for this gene and therefore may encompass additional genes. As the precise location of this event is unknown, it may be in tandem or it may be located elsewhere in the genome. Isolated whole-gene duplications of the SCN1A gene have not been reported in the literature. However, larger copy number events that include this gene have been reported (PMID: 23016767, 26068938, 21416599, 23184456, 21692795). In summary, the available evidence is currently insufficient to determine the role of this variant in disease. Therefore, it has been classified as a Variant of Uncertain Significance.
ClinVar note: Reason: This record appears to be redundant with a more recent record from the same submitter.
ClinVar note: Notes: SCV001195625 appears to be redundant with SCV001561364.

Literature cited by the submitters: PubMed 23016767; PubMed 26068938; PubMed 21416599; PubMed 23184456; PubMed 21692795.